The following is an entry in ClinVar:

NM_145046.5(CALR3):c.193+4A>T

Gene: CALR3 (calreticulin 3; minus strand). Cytogenetic location: 19p13.11.
Variant type: single nucleotide variant.
Coding change: c.193+4A>T on transcript NM_145046.5 (MANE Select); 4 bases into the intron after coding-DNA position 193, A replaced by T.
Molecular consequence: intron variant.
Genome position (GRCh38, 1-based): chr19:16,495,747, T>A on the plus strand (A>T on the coding strand, the complement: CALR3 is on the minus strand). VCF-style: chr19-16495747-T-A. GRCh37 (hg19) VCF-style: chr19-16606558-T-A.
Identifiers: ClinVar variation 3632195 (VCV003632195.2).

ClinVar aggregate classification (germline): Uncertain significance (1 of 4 stars; one submission).

Conditions:
Hypertrophic cardiomyopathy 19. Also called: Familial hypertrophic cardiomyopathy 19. Identifiers: MedGen CN077603, MONDO:0013476.

Submission:

Labcorp Genetics (formerly Invitae), Labcorp
Classification: Uncertain significance for Hypertrophic cardiomyopathy 19. Last evaluated: 2025-01-27. Review status: criteria provided, single submitter. Criteria: Invitae Variant Classification Sherloc (09022015). Collection method: clinical testing. Allele origin: germline.
Comment: This sequence change falls in intron 2 of the CALR3 gene. It does not directly change the encoded amino acid sequence of the CALR3 protein. It affects a nucleotide within the consensus splice site. This variant is not present in population databases (gnomAD no frequency). This variant has not been reported in the literature in individuals affected with CALR3-related conditions. Variants that disrupt the consensus splice site are a relatively common cause of aberrant splicing (PMID: 17576681, 9536098). Algorithms developed to predict the effect of sequence changes on RNA splicing suggest that this variant is not likely to affect RNA splicing. In summary, the available evidence is currently insufficient to determine the role of this variant in disease. Therefore, it has been classified as a Variant of Uncertain Significance.

Literature cited by the submitters: PubMed 17576681; PubMed 9536098.